The following is an entry in ClinVar:

ClinVar aggregate classification (germline): Uncertain significance (1 of 4 stars; one submission).

Conditions:
Epileptic encephalopathy. Identifiers: MedGen C0543888, HP:0200134.

Submission:

Labcorp Genetics (formerly Invitae), Labcorp
Classification: Uncertain significance for Epileptic encephalopathy. Last evaluated: 2023-12-22. Review status: criteria provided, single submitter. Criteria: Invitae Variant Classification Sherloc (09022015). Collection method: clinical testing. Allele origin: germline.
Comment: This sequence change replaces serine, which is neutral and polar, with glycine, which is neutral and non-polar, at codon 352 of the GABBR2 protein (p.Ser352Gly). This variant is not present in population databases (gnomAD no frequency). This variant has not been reported in the literature in individuals affected with GABBR2-related conditions. Advanced modeling of protein sequence and biophysical properties (such as structural, functional, and spatial information, amino acid conservation, physicochemical variation, residue mobility, and thermodynamic stability) performed at Invitae indicates that this missense variant is not expected to disrupt GABBR2 protein function with a negative predictive value of 80%. In summary, the available evidence is currently insufficient to determine the role of this variant in disease. Therefore, it has been classified as a Variant of Uncertain Significance.

NM_005458.8(GABBR2):c.1054A>G (p.Ser352Gly)

Gene: GABBR2 (gamma-aminobutyric acid type B receptor subunit 2; minus strand). Cytogenetic location: 9q22.33.
Variant type: single nucleotide variant.
Coding change: c.1054A>G on transcript NM_005458.8 (MANE Select); coding-DNA position 1054, A replaced by G.
Protein change: p.Ser352Gly; replaces serine 352 with glycine.
Molecular consequence: missense variant.
Genome position (GRCh38, 1-based): chr9:98,454,163, T>C on the plus strand (A>G on the coding strand, the complement: GABBR2 is on the minus strand). VCF-style: chr9-98454163-T-C. GRCh37 (hg19) VCF-style: chr9-101216445-T-C.
Other names: short protein forms S352G.
Identifiers: ClinVar variation 2844034 (VCV002844034.3), dbSNP rs2491624325, ClinGen allele CA374350694.
Genomic context (GRCh38, chr9:98,454,163, plus strand): 5'-CCCTCTGCAGTGTCTTGGCGATGACCCAGATGCCATCGTAGGCGTACCCGTGGAACTTGC[T>C]GGGCCCCACGCCTGACCGCTTGTTGTTGTACTCTCTCTCATACTGCTGTGGAGTCTGGAA-3'
Protein context (NP_005449.5, residues 342-362): YNNKRSGVGP[Ser352Gly]KFHGYAYDGI